The following is an entry in ClinVar:

NM_000186.4(CFH):c.695G>A (p.Arg232Gln)

Gene: CFH (complement factor H; plus strand). Cytogenetic location: 1q31.3.
Variant type: single nucleotide variant.
Coding change: c.695G>A on transcript NM_000186.4 (MANE Select); coding-DNA position 695, G replaced by A.
Protein change: p.Arg232Gln; replaces arginine 232 with glutamine.
Molecular consequence: missense variant.
Genome position (GRCh38, 1-based): chr1:196,679,698, G>A. VCF-style: chr1-196679698-G-A. GRCh37 (hg19) VCF-style: chr1-196648828-G-A.
Other names: c.695G>A, p.Arg232Gln (NM_001014975.3); short protein forms R232Q.
Identifiers: ClinVar variation 4291318 (VCV004291318.1).

ClinVar aggregate classification (germline): Likely pathogenic (1 of 4 stars; one submission).

Conditions:
Atypical hemolytic-uremic syndrome. Identifiers: Orphanet 2134, MedGen C2931788, MONDO:0016244.
Age related macular degeneration 4. Identifiers: MedGen C1853147, MONDO:0012540, OMIM 610698.

gnomAD v4.1: 2 of 1,609,228 alleles (0.00012%); highest among the groups gnomAD compares: Non-Finnish European, 0.000085%; no homozygotes.

Submission:

Genomenon, Inc
Classification: Likely pathogenic for Atypical hemolytic-uremic syndrome; Age related macular degeneration 4. Last evaluated: 2025-10-02. Review status: criteria provided, single submitter. Criteria: Genomenon Sequence Variant Interpretation Standards - Updated. Collection method: curation. Allele origin: germline. Affected: yes.
Comment: CFH p.Arg232Gln (c.695G>A) is a missense variant that changes the amino acid at residue 232 from Arginine to Glutamine. This variant has been observed in at least one proband affected with a CFH-related disorder (PMID:26501415;29686068;29511899). At least one functional study has demonstrated a substantial alteration in protein function relative to the wild-type (PMID:36643920). It is absent or not present at a significant frequency in gnomAD. In conclusion, we classify CFH p.Arg232Gln (c.695G>A) as a likely pathogenic variant.

Literature cited by the submitters: PubMed 26501415; PubMed 29686068; PubMed 29511899; PubMed 36643920.